The following is an entry in ClinVar:

ClinVar aggregate classification (germline): Likely benign (0 of 4 stars; one submission).

Conditions:
AHNAK-related disorder. Also called: AHNAK-related condition.

Allele frequency attached by ClinVar (database versions not stated): ExAC 0.00036; gnomAD 0.00005; 1000 Genomes Project 0.00020; 1000 Genomes Project 30x 0.00016; TOPMed 0.00017.

Submission:

PreventionGenetics, part of Exact Sciences
Classification: Likely benign for AHNAK-related condition. Last evaluated: 2022-11-21. Review status: no assertion criteria provided. Collection method: clinical testing. Allele origin: germline.
Comment: This variant is classified as likely benign based on ACMG/AMP sequence variant interpretation guidelines (Richards et al. 2015 PMID: 25741868, with internal and published modifications).

NM_024060.4(AHNAK):c.424G>A (p.Val142Ile)

Gene: AHNAK (AHNAK nucleoprotein; minus strand). Cytogenetic location: 11q12.3.
Variant type: single nucleotide variant.
Coding change: c.424G>A on transcript NM_024060.4; coding-DNA position 424, G replaced by A.
Protein change: p.Val142Ile; replaces valine 142 with isoleucine.
Molecular consequence: missense variant.
Genome position (GRCh38, 1-based): chr11:62,491,750, C>T on the plus strand (G>A on the coding strand, the complement: AHNAK is on the minus strand). VCF-style: chr11-62491750-C-T. GRCh37 (hg19) VCF-style: chr11-62259222-C-T.
Other names: short protein forms V142I.
Identifiers: ClinVar variation 3047518 (VCV003047518.2), dbSNP rs202015820, ClinGen allele CA6043567.